The following is an entry in ClinVar:

NM_024426.6(WT1):c.1122_1123inv (p.Arg375Cys)

Gene: WT1 (WT1 transcription factor; minus strand). Cytogenetic location: 11p13.
Variant type: Inversion.
Coding change: c.1122_1123inv on transcript NM_024426.6 (MANE Select).
Protein change: p.Arg375Cys; replaces arginine 375 with cysteine.
Molecular consequence: missense variant. On other transcripts: 5 prime UTR variant (1), non-coding transcript variant (2).
Genome position: GRCh38 VCF-style: chr11-32396398-GT-AC. GRCh37 (hg19) VCF-style: chr11-32417944-GT-AC.
Other names: c.1071_1072inv, p.Arg358Cys (NM_000378.6, NM_001407045.1, NM_001407048.1 and 1 more transcripts); c.471_472inv, p.Arg158Cys (NM_001198551.2); c.420_421inv, p.Arg141Cys (NM_001198552.2); c.-67_-66inv (NM_001367854.1); c.1116_1117inv, p.Arg373Cys (NM_001407044.1); c.1122_1123inv, p.Arg375Cys (NM_001407046.1, NM_024424.5); c.999_1000inv, p.Arg334Cys (NM_001407047.1); c.948_949inv, p.Arg317Cys (NM_001407050.1); and 3 more; short protein forms R358C, R375C, R353C, R158C, R334C, R370C, R373C, R141C.
Identifiers: ClinVar variation 2926796 (VCV002926796.4), ClinGen allele CA2740093688.

ClinVar aggregate classification (germline): Uncertain significance. Review status: criteria provided, multiple submitters, no conflicts (2 of 4 stars). 2 submissions from 2 submitters: Uncertain significance (2). Last evaluated 2025-07-15.

Conditions:
Frasier syndrome. Identifiers: Orphanet 347, MedGen C0950122, MeSH D052159, MONDO:0007635, OMIM 136680.
Drash syndrome (DDS). Also called: NEPHROPATHY, WILMS TUMOR, AND GENITAL ANOMALIES; WILMS TUMOR AND PSEUDO- OR TRUE HERMAPHRODITISM. Identifiers: Orphanet 220, MedGen C0950121, MONDO:0008682, OMIM 194080.
Wilms tumor 1 (WT1). Also called: Wilms tumor, somatic. Identifiers: Orphanet 654, MedGen CN033288, MONDO:0008679, OMIM 194070.
11p partial monosomy syndrome (WAGR). Also called: WAGR syndrome; WAGR Complex; CHROMOSOME 11p13 DELETION SYNDROME; WAGR Spectrum Disorder. Identifiers: Orphanet 893, MedGen C0206115, MONDO:0008681, OMIM 194072.
Inborn genetic diseases. Identifiers: MedGen C0950123, MeSH D030342.

Submissions (2):

Ambry Genetics
Classification: Uncertain significance for Inborn genetic diseases. Last evaluated: 2025-07-15. Review status: criteria provided, single submitter. Criteria: Ambry Variant Classification Scheme 2023. Collection method: clinical testing. Allele origin: germline.
Comment: The c.1107_1108delACinsGT variant (also known as p.R370C), located in coding exon 7 of the WT1 gene, results from an in-frame deletion of AC and insertion of GT at nucleotide positions 1107 to 1108. This results in the substitution of the arginine residue for a cysteine residue at codon 370, an amino acid with highly dissimilar properties. This amino acid position is highly conserved in available vertebrate species. In addition, the in silico prediction for this variant is inconclusive (Choi Y et al. PLoS ONE. 2012; 7(10):e46688). Based on the available evidence, the clinical significance of this variant remains unclear.

Labcorp Genetics (formerly Invitae), Labcorp
Classification: Uncertain significance for Wilms tumor 1; Drash syndrome; 11p partial monosomy syndrome; Frasier syndrome. Last evaluated: 2023-08-16. Review status: criteria provided, single submitter. Criteria: Invitae Variant Classification Sherloc (09022015). Collection method: clinical testing. Allele origin: germline.
Comment: In summary, the available evidence is currently insufficient to determine the role of this variant in disease. Therefore, it has been classified as a Variant of Uncertain Significance. Experimental studies and prediction algorithms are not available or were not evaluated, and the functional significance of this variant is currently unknown. This variant has not been reported in the literature in individuals affected with WT1-related conditions. Information on the frequency of this variant in the gnomAD database is not available, as this variant may be reported differently in the database. This sequence change replaces arginine, which is basic and polar, with cysteine, which is neutral and slightly polar, at codon 370 of the WT1 protein (p.Arg370Cys).